The following is an entry in ClinVar:

NM_001382567.1(STIM1):c.2104C>T (p.Arg702Trp)

Genes: STIM1 (stromal interaction molecule 1; plus strand), LOC124418421 (Sharpr-MPRA regulatory region 9588; plus strand). Cytogenetic location: 11p15.4.
Variant type: single nucleotide variant.
Coding change: c.2104C>T on transcript NM_001382567.1 (MANE Select); coding-DNA position 2104, C replaced by T.
Protein change: p.Arg702Trp; replaces arginine 702 with tryptophan.
Molecular consequence: missense variant. On other transcripts: 3 prime UTR variant (4), non-coding transcript variant (3).
Genome position (GRCh38, 1-based): chr11:4,091,751, C>T. VCF-style: chr11-4091751-C-T. GRCh37 (hg19) VCF-style: chr11-4112981-C-T.
Other names: c.2329C>T, p.Arg777Trp (NM_001277961.3); c.*425C>T (NM_001277962.2, NM_001382578.1, NM_001382579.1 and 1 more transcripts); c.2107C>T, p.Arg703Trp (NM_001382566.1); c.2032C>T, p.Arg678Trp (NM_001382568.1); c.1876C>T, p.Arg626Trp (NM_001382569.1); c.1783C>T, p.Arg595Trp (NM_001382570.1); c.1531C>T, p.Arg511Trp (NM_001382571.1); c.1789C>T, p.Arg597Trp (NM_001382575.1, NM_001382576.1, NM_001382577.1); and 2 more; short protein forms R508W, R511W, R595W, R597W, R626W, R671W, R678W, R702W.
Identifiers: ClinVar variation 1057184 (VCV001057184.9), dbSNP rs755346239, ClinGen allele CA5830668.
Genomic context (GRCh38, chr11:4,091,751, plus strand): 5'-AAGGCTGTGGCTGAGGAGGATAATGGCTCTATTGGCGAGGAAACAGACTCCAGCCCAGGC[C>T]GGAAGAAGTTTCCCCTCAAAATCTTTAAGAAGCCTCTTAAGAAGTAGGCAGGATGGGGTG-3'
Protein context (NP_001369496.1, residues 692-712): IGEETDSSPG[Arg702Trp]KKFPLKIFKK

ClinVar aggregate classification (germline): Uncertain significance (1 of 4 stars; one submission).

Conditions:
Stormorken syndrome (STRMK). Also called: THROMBOCYTOPATHY, ASPLENIA, AND MIOSIS. Identifiers: Orphanet 3204, MedGen C1861451, MONDO:0008497, OMIM 185070.
Myopathy with tubular aggregates (TAM). Also called: Tubular Aggregate Myopathy. Identifiers: Orphanet 2593, MedGen C0410207, MONDO:0008051.
Combined immunodeficiency due to STIM1 deficiency. Also called: STIM1 DEFICIENCY; IMMUNODEFICIENCY 10. Identifiers: Orphanet 169090, Orphanet 317430, MedGen C2748557, MONDO:0013008, OMIM 612783.

Allele frequency attached by ClinVar (database versions not stated): gnomAD exomes 0.00001; ExAC 0.00001; gnomAD 0.00003; TOPMed 0.00001.
gnomAD v4.1: 21 of 1,611,842 alleles (0.0013%); highest among the groups gnomAD compares: African/African-American, 0.0053%; no homozygotes.

Submission:

Labcorp Genetics (formerly Invitae), Labcorp
Classification: Uncertain significance for Myopathy with tubular aggregates; Combined immunodeficiency due to STIM1 deficiency; Stormorken syndrome. Last evaluated: 2025-12-03. Review status: criteria provided, single submitter. Criteria: Invitae Variant Classification Sherloc (09022015). Collection method: clinical testing. Allele origin: germline.
Comment: This sequence change replaces arginine, which is basic and polar, with tryptophan, which is neutral and slightly polar, at codon 671 of the STIM1 protein (p.Arg671Trp). This variant is present in population databases (rs755346239, gnomAD 0.004%). This variant has not been reported in the literature in individuals affected with STIM1-related conditions. ClinVar contains an entry for this variant (Variation ID: 1057184). Invitae Evidence Modeling of protein sequence and biophysical properties (such as structural, functional, and spatial information, amino acid conservation, physicochemical variation, residue mobility, and thermodynamic stability) has been performed for this missense variant. However, the output from this modeling did not meet the statistical confidence thresholds required to predict the impact of this variant on STIM1 protein function. In summary, the available evidence is currently insufficient to determine the role of this variant in disease. Therefore, it has been classified as a Variant of Uncertain Significance.